The following is an entry in ClinVar:

NM_182961.4(SYNE1):c.19721T>C (p.Ile6574Thr)

Gene: SYNE1 (spectrin repeat containing nuclear envelope protein 1; minus strand). Cytogenetic location: 6q25.2.
Variant type: single nucleotide variant.
Coding change: c.19721T>C on transcript NM_182961.4 (MANE Select); coding-DNA position 19721, T replaced by C.
Protein change: p.Ile6574Thr; replaces isoleucine 6574 with threonine.
Molecular consequence: missense variant.
Genome position (GRCh38, 1-based): chr6:152,242,412, A>G on the plus strand (T>C on the coding strand, the complement: SYNE1 is on the minus strand). VCF-style: chr6-152242412-A-G. GRCh37 (hg19) VCF-style: chr6-152563547-A-G.
Other names: c.19508T>C, p.Ile6503Thr (NM_033071.5); c.19721T>C (NM_182961.2); short protein forms I6503T, I6574T.
Identifiers: ClinVar variation 1878706 (VCV001878706.2), dbSNP rs757057154, ClinGen allele CA4054582.

ClinVar aggregate classification (germline): Uncertain significance. Review status: criteria provided, multiple submitters, no conflicts (2 of 4 stars). 2 submissions from 2 submitters: Uncertain significance (2). Last evaluated 2022-11-14.

Allele frequency attached by ClinVar (database versions not stated): ExAC 0.00001; gnomAD exomes 0.00002; TOPMed 0.00005; gnomAD 0.00009.
gnomAD v4.1: 36 of 1,613,968 alleles (0.0022%); highest among the groups gnomAD compares: Admixed American, 0.035%; no homozygotes.

Submissions (2):

Athena Diagnostics
Classification: Uncertain significance. Last evaluated: 2022-11-14. Review status: criteria provided, single submitter. Criteria: Athena Diagnostics Criteria. Collection method: clinical testing. Allele origin: unknown.
Comment: Available data are insufficient to determine the clinical significance of the variant at this time. The frequency of this variant in the general population is uninformative in assessment of its pathogenicity. Computational tools predict that this variant is not damaging.

GeneDx
Classification: Uncertain significance. Last evaluated: 2022-07-11. Review status: criteria provided, single submitter. Criteria: GeneDx Variant Classification Process June 2021. Collection method: clinical testing. Allele origin: germline. Affected: yes.
Comment: In silico analysis supports that this missense variant has a deleterious effect on protein structure/function; Has not been previously published as pathogenic or benign to our knowledge